The following is an entry in ClinVar:

ClinVar aggregate classification (germline): Uncertain significance. Review status: criteria provided, multiple submitters, no conflicts (2 of 4 stars). 2 submissions from 2 submitters: Uncertain significance (2). Last evaluated 2025-09-15.

Conditions:
Peroxisome biogenesis disorder 9B. Also called: PEX7-Related Refsum Disease; PEROXISOME BIOGENESIS DISORDER, PEX7-RELATED, ATYPICAL; Refsum disease, adult, 2. Identifiers: Orphanet 773, MedGen C2749346, MONDO:0013945, OMIM 614879.

Allele frequency attached by ClinVar (database versions not stated): gnomAD exomes below 0.00001.
gnomAD v4.1: 4 of 1,613,084 alleles (0.00025%); highest among the groups gnomAD compares: Middle Eastern, 0.033%; no homozygotes.

Submissions (2):

Labcorp Genetics (formerly Invitae), Labcorp
Classification: Uncertain significance for Peroxisome biogenesis disorder 9B. Last evaluated: 2025-09-15. Review status: criteria provided, single submitter. Criteria: Invitae Variant Classification Sherloc (09022015). Collection method: clinical testing. Allele origin: germline.
Comment: This sequence change replaces arginine, which is basic and polar, with serine, which is neutral and polar, at codon 59 of the PEX7 protein (p.Arg59Ser). This variant is not present in population databases (gnomAD no frequency). This variant has not been reported in the literature in individuals affected with PEX7-related conditions. ClinVar contains an entry for this variant (Variation ID: 595761). An algorithm developed to predict the effect of missense changes on protein structure and function (PolyPhen-2) suggests that this variant is likely to be tolerated. In summary, the available evidence is currently insufficient to determine the role of this variant in disease. Therefore, it has been classified as a Variant of Uncertain Significance.

Eurofins Ntd Llc (ga)
Classification: Uncertain significance. Last evaluated: 2018-01-12. Review status: criteria provided, single submitter. Criteria: EGL Classification Definitions 2015. Collection method: clinical testing. Allele origin: germline. Observed: 1 variant allele, 1 heterozygote.

NM_000288.4(PEX7):c.177G>C (p.Arg59Ser)

Gene: PEX7 (peroxisomal biogenesis factor 7; plus strand). Cytogenetic location: 6q23.3.
Variant type: single nucleotide variant.
Coding change: c.177G>C on transcript NM_000288.4 (MANE Select); coding-DNA position 177, G replaced by C.
Protein change: p.Arg59Ser; replaces arginine 59 with serine.
Molecular consequence: missense variant.
Genome position (GRCh38, 1-based): chr6:136,825,260, G>C. VCF-style: chr6-136825260-G-C. GRCh37 (hg19) VCF-style: chr6-137146398-G-C.
Other names: short protein forms R59S.
Identifiers: ClinVar variation 595761 (VCV000595761.6), dbSNP rs1562725406, ClinGen allele CA365855670.